The following is an entry in ClinVar:

NM_000135.4(FANCA):c.3208C>G (p.Gln1070Glu)

Gene: FANCA (FA complementation group A; minus strand). Cytogenetic location: 16q24.3.
Variant type: single nucleotide variant.
Coding change: c.3208C>G on transcript NM_000135.4 (MANE Select); coding-DNA position 3208, C replaced by G.
Protein change: p.Gln1070Glu; replaces glutamine 1070 with glutamic acid.
Molecular consequence: missense variant.
Genome position (GRCh38, 1-based): chr16:89,749,761, G>C on the plus strand (C>G on the coding strand, the complement: FANCA is on the minus strand). VCF-style: chr16-89749761-G-C. GRCh37 (hg19) VCF-style: chr16-89816169-G-C.
Other names: c.3208C>G, p.Gln1070Glu (NM_001286167.3); short protein forms Q1070E.
Identifiers: ClinVar variation 3848235 (VCV003848235.1).

ClinVar aggregate classification (germline): Uncertain significance (1 of 4 stars; one submission).

Conditions:
Inborn genetic diseases. Identifiers: MedGen C0950123, MeSH D030342.

gnomAD v4.1: 1 of 1,614,198 alleles (0.000062%); highest among the groups gnomAD compares: African/African-American, 0.0013%; no homozygotes.

Submission:

Ambry Genetics
Classification: Uncertain significance for Inborn genetic diseases. Last evaluated: 2025-02-14. Review status: criteria provided, single submitter. Criteria: Ambry Variant Classification Scheme 2023. Collection method: clinical testing. Allele origin: germline.
Comment: The p.Q1070E variant (also known as c.3208C>G), located in coding exon 32 of the FANCA gene, results from a C to G substitution at nucleotide position 3208. The glutamine at codon 1070 is replaced by glutamic acid, an amino acid with highly similar properties. This amino acid position is conserved. In addition, this alteration is predicted to be tolerated by in silico analysis. Based on the available evidence, the clinical significance of this variant remains unclear.